The following is an entry in ClinVar:

NM_025265.4(TSEN2):c.587G>T (p.Gly196Val)

Gene: TSEN2 (tRNA splicing endonuclease subunit 2; plus strand). Cytogenetic location: 3p25.2.
Variant type: single nucleotide variant.
Coding change: c.587G>T on transcript NM_025265.4 (MANE Select); coding-DNA position 587, G replaced by T.
Protein change: p.Gly196Val; replaces glycine 196 with valine.
Molecular consequence: missense variant. On other transcripts: non-coding transcript variant (1), intron variant (1).
Genome position (GRCh38, 1-based): chr3:12,503,540, G>T. VCF-style: chr3-12503540-G-T. GRCh37 (hg19) VCF-style: chr3-12545039-G-T.
Other names: c.587G>T, p.Gly196Val (NM_001145392.2, NM_001145393.3, NM_001321277.2 and 2 more transcripts); c.516+71G>T (NM_001145394.2); short protein forms G196V.
Identifiers: ClinVar variation 437062 (VCV000437062.13), dbSNP rs143243952, ClinGen allele CA2258548.

ClinVar aggregate classification (germline): Uncertain significance. Review status: criteria provided, multiple submitters, no conflicts (2 of 4 stars). 4 submissions from 4 submitters: Uncertain significance (4). Last evaluated 2025-09-01.

Conditions:
Inborn genetic diseases. Identifiers: MedGen C0950123, MeSH D030342.

Allele frequency attached by ClinVar (database versions not stated): gnomAD exomes 0.00016; ExAC 0.00017; gnomAD 0.00022; TOPMed 0.00036; ESP Exome Variant Server 0.00046; 1000 Genomes Project 0.00140; 1000 Genomes Project 30x 0.00187.
gnomAD v4.1: 228 of 1,612,012 alleles (0.014%); highest among the groups gnomAD compares: African/African-American, 0.097%; 1 homozygote.

Submissions (4):

Ambry Genetics
Classification: Uncertain significance for Inborn genetic diseases. Last evaluated: 2025-09-01. Review status: criteria provided, single submitter. Criteria: Ambry Variant Classification Scheme 2023. Collection method: clinical testing. Allele origin: germline.

Labcorp Genetics (formerly Invitae), Labcorp
Classification: Uncertain significance. Last evaluated: 2022-08-23. Review status: criteria provided, single submitter. Criteria: Invitae Variant Classification Sherloc (09022015). Collection method: clinical testing. Allele origin: germline.
Comment: This sequence change replaces glycine, which is neutral and non-polar, with valine, which is neutral and non-polar, at codon 196 of the TSEN2 protein (p.Gly196Val). This variant is present in population databases (rs143243952, gnomAD 0.09%), and has an allele count higher than expected for a pathogenic variant. This variant has not been reported in the literature in individuals affected with TSEN2-related conditions. ClinVar contains an entry for this variant (Variation ID: 437062). Algorithms developed to predict the effect of missense changes on protein structure and function are either unavailable or do not agree on the potential impact of this missense change (SIFT: "Tolerated"; PolyPhen-2: "Possibly Damaging"; Align-GVGD: "Class C0"). In summary, the available evidence is currently insufficient to determine the role of this variant in disease. Therefore, it has been classified as a Variant of Uncertain Significance.

GeneDx
Classification: Uncertain significance. Last evaluated: 2022-02-15. Review status: criteria provided, single submitter. Criteria: GeneDx Variant Classification Process June 2021. Collection method: clinical testing. Allele origin: germline. Affected: yes.
Comment: In silico analysis supports that this missense variant has a deleterious effect on protein structure/function; Has not been previously published as pathogenic or benign to our knowledge

Genetic Services Laboratory, University of Chicago
Classification: Uncertain significance. Last evaluated: 2017-04-19. Review status: criteria provided, single submitter. Criteria: ACMG Guidelines, 2015. Collection method: clinical testing. Allele origin: germline. Affected: no.